The following is an entry in ClinVar:

NM_002227.4(JAK1):c.4C>A (p.Gln2Lys)

Gene: JAK1 (Janus kinase 1; minus strand). Cytogenetic location: 1p31.3.
Variant type: single nucleotide variant.
Coding change: c.4C>A on transcript NM_002227.4 (MANE Select); coding-DNA position 4, C replaced by A.
Protein change: p.Gln2Lys; replaces glutamine 2 with lysine.
Molecular consequence: missense variant.
Genome position (GRCh38, 1-based): chr1:64,886,261, G>T on the plus strand (C>A on the coding strand, the complement: JAK1 is on the minus strand). VCF-style: chr1-64886261-G-T. GRCh37 (hg19) VCF-style: chr1-65351944-G-T.
Other names: c.4C>A, p.Gln2Lys (NM_001320923.2, NM_001321852.2, NM_001321853.2 and 4 more transcripts); short protein forms Q2K.
Identifiers: ClinVar variation 4711542 (VCV004711542.1).

ClinVar aggregate classification (germline): Uncertain significance (1 of 4 stars; one submission).

gnomAD v4.1: 1 of 1,585,686 alleles (0.000063%); highest among the groups gnomAD compares: South Asian, 0.0011%; no homozygotes.

Submission:

Labcorp Genetics (formerly Invitae), Labcorp
Classification: Uncertain significance. Last evaluated: 2025-12-18. Review status: criteria provided, single submitter. Criteria: Invitae Variant Classification Sherloc (09022015). Collection method: clinical testing. Allele origin: germline.
Comment: This sequence change replaces glutamine, which is neutral and polar, with lysine, which is basic and polar, at codon 2 of the JAK1 protein (p.Gln2Lys). This variant is not present in population databases (gnomAD no frequency). This variant has not been reported in the literature in individuals affected with JAK1-related conditions. An algorithm developed to predict the effect of missense changes on protein structure and function (PolyPhen-2) suggests that this variant is likely to be tolerated. In summary, the available evidence is currently insufficient to determine the role of this variant in disease. Therefore, it has been classified as a Variant of Uncertain Significance.